The following is an entry in ClinVar:

ClinVar aggregate classification (germline): Uncertain significance (1 of 4 stars; one submission).

Conditions:
Inborn genetic diseases. Identifiers: MedGen C0950123, MeSH D030342.

Submission:

Ambry Genetics
Classification: Uncertain significance for Inborn genetic diseases. Last evaluated: 2025-03-07. Review status: criteria provided, single submitter. Criteria: Ambry Variant Classification Scheme 2023. Collection method: clinical testing. Allele origin: germline.
Comment: The p.I376F variant (also known as c.1126A>T), located in coding exon 6 of the ERCC6L2 gene, results from an A to T substitution at nucleotide position 1126. The isoleucine at codon 376 is replaced by phenylalanine, an amino acid with highly similar properties. This amino acid position is conserved. In addition, this alteration is predicted to be deleterious by in silico analysis. Based on the available evidence, the clinical significance of this variant remains unclear.

NM_020207.7(ERCC6L2):c.1126A>T (p.Ile376Phe)

Gene: ERCC6L2 (ERCC excision repair 6 like 2; plus strand). Cytogenetic location: 9q22.32.
Variant type: single nucleotide variant.
Coding change: c.1126A>T on transcript NM_020207.7 (MANE Select); coding-DNA position 1126, A replaced by T.
Protein change: p.Ile376Phe; replaces isoleucine 376 with phenylalanine.
Molecular consequence: missense variant. On other transcripts: non-coding transcript variant (1).
Genome position (GRCh38, 1-based): chr9:95,916,402, A>T. VCF-style: chr9-95916402-A-T. GRCh37 (hg19) VCF-style: chr9-98678684-A-T.
Other names: c.1126A>T, p.Ile376Phe (NM_001010895.4, NM_001375291.1, NM_001375292.1 and 2 more transcripts); short protein forms I376F.
Identifiers: ClinVar variation 3845984 (VCV003845984.1).
Genomic context (GRCh38, chr9:95,916,402, plus strand): 5'-GCCATGCAAAGACTTGCCAAAAAGATGTCTGGCTGGTTTCTCAGGCGCACCAAGACTCTT[A>T]TCAAGGATCAGTTGCCTAAGAAGGAAGACCGGGTAAGAACCGCATTTGTATATATTATTA-3'
Protein context (NP_064592.3, residues 366-386): GWFLRRTKTL[Ile376Phe]KDQLPKKEDR